The following is an entry in ClinVar:

ClinVar aggregate classification (germline): Conflicting classifications of pathogenicity. Review status: criteria provided, conflicting classifications (1 of 4 stars). 3 submissions from 3 submitters: Uncertain significance (2); Benign (1). Last evaluated 2023-07-07.

Conditions:
Tuberous sclerosis 2 (TSC2). Identifiers: Orphanet 805, MedGen C1860707, MONDO:0013199, OMIM 613254.

Allele frequency attached by ClinVar (database versions not stated): gnomAD exomes below 0.00001; TOPMed below 0.00001; ExAC 0.00001; gnomAD 0.00001.
gnomAD v4.1: 2 of 1,612,876 alleles (0.00012%); highest among the groups gnomAD compares: Admixed American, 0.0033%; no homozygotes.

Submissions (3):

Labcorp Genetics (formerly Invitae), Labcorp
Classification: Benign for Tuberous sclerosis 2. Last evaluated: 2023-07-07. Review status: criteria provided, single submitter. Criteria: Invitae Variant Classification Sherloc (09022015). Collection method: clinical testing. Allele origin: germline.

Genome-Nilou Lab
Classification: Uncertain significance for Tuberous sclerosis 2. Last evaluated: 2021-11-07. Review status: criteria provided, single submitter. Criteria: ACMG Guidelines, 2015. Collection method: clinical testing. Allele origin: germline. Affected: no.

Baylor Genetics
Classification: Uncertain significance for Tuberous sclerosis 2. Last evaluated: 2021-04-15. Review status: criteria provided, single submitter. Criteria: ACMG Guidelines, 2015. Collection method: clinical testing. Allele origin: maternal. Affected: yes. Study: CSER-TexasKidsCanSeq.
Comment: This variant was determined to be of uncertain significance according to ACMG Guidelines, 2015 [PMID:25741868].

NM_000548.5(TSC2):c.3193A>C (p.Lys1065Gln)

Gene: TSC2 (TSC complex subunit 2; plus strand). Cytogenetic location: 16p13.3.
Variant type: single nucleotide variant.
Coding change: c.3193A>C on transcript NM_000548.5 (MANE Select); coding-DNA position 3193, A replaced by C.
Protein change: p.Lys1065Gln; replaces lysine 1065 with glutamine.
Molecular consequence: missense variant.
Genome position (GRCh38, 1-based): chr16:2,079,337, A>C. VCF-style: chr16-2079337-A-C. GRCh37 (hg19) VCF-style: chr16-2129338-A-C.
Other names: c.3061A>C, p.Lys1021Gln (NM_001077183.3, NM_001370404.1); c.3193A>C, p.Lys1065Gln (NM_001114382.3); c.2953A>C, p.Lys985Gln (NM_001318827.2); c.2917A>C, p.Lys973Gln (NM_001318829.2); c.2461A>C, p.Lys821Gln (NM_001318831.2); c.3094A>C, p.Lys1032Gln (NM_001318832.2); c.3064A>C, p.Lys1022Gln (NM_001363528.2, NM_001370405.1, NM_021055.3); short protein forms K973Q, K1021Q, K1022Q, K1032Q, K1065Q, K985Q, K821Q.
Identifiers: ClinVar variation 854748 (VCV000854748.12), dbSNP rs751955670, ClinGen allele CA044710.